The following is an entry in ClinVar:

ClinVar aggregate classification (germline): Conflicting classifications of pathogenicity. Review status: criteria provided, conflicting classifications (1 of 4 stars). 14 submissions from 10 submitters: Uncertain significance (7); Likely benign (7). Last evaluated 2026-02-01.

Conditions:
Cardiovascular phenotype. Identifiers: MedGen CN230736.
Autosomal recessive limb-girdle muscular dystrophy type 2J (LGMDR10). Also called: MUSCULAR DYSTROPHY, LIMB-GIRDLE, AUTOSOMAL RECESSIVE 10; Limb-girdle muscular dystrophy, type 2J. Identifiers: Orphanet 140922, MedGen C1837342, MONDO:0012127, OMIM 608807.
Dilated cardiomyopathy 1G (CMD1G). Identifiers: Orphanet 154, MedGen C1858763, MONDO:0011400, OMIM 604145.
Cardiomyopathy (CMYO). Also called: Cardiomyopathies. Identifiers: Orphanet 167848, MedGen C0878544, MONDO:0004994, HP:0001638. Inheritance: Various modes of inheritance.
Tibial muscular dystrophy (TMD). Also called: UDD MYOPATHY; Tibial muscular dystrophy, tardive; Udd Distal Myopathy – Tibial Muscular Dystrophy. Identifiers: Orphanet 609, MedGen C1838244, MONDO:0010870, OMIM 600334.
Myopathy, myofibrillar, 9, with early respiratory failure (MFM9). Also called: Myopathy, distal, with early respiratory failure, autosomal dominant; Hereditary myopathy with early respiratory failure; EDSTROM MYOPATHY; MYOPATHY, PROXIMAL, WITH EARLY RESPIRATORY MUSCLE INVOLVEMENT. Identifiers: Orphanet 178464, Orphanet 34521, MedGen C1863599, MONDO:0011362, OMIM 603689.
Early-onset myopathy with fatal cardiomyopathy (CMYO5). Also called: Salih Myopathy; CONGENITAL MYOPATHY 5 WITH CARDIOMYOPATHY. Identifiers: Orphanet 289377, MedGen C2673677, MONDO:0012714, OMIM 611705. Disease mechanism: loss of function.

Allele frequency attached by ClinVar (database versions not stated): ExAC 0.00004; gnomAD 0.00005; gnomAD exomes 0.00005 and 0.00007; TOPMed 0.00005; ESP Exome Variant Server 0.00008.

Submissions (14):

CeGaT Center for Human Genetics Tuebingen
Classification: Likely benign. Last evaluated: 2026-02-01. Review status: criteria provided, single submitter. Criteria: CeGaT Center For Human Genetics Tuebingen Variant Classification Criteria Version 2. Collection method: clinical testing. Allele origin: germline. Affected: yes. Observed: 2 variant alleles.
Comment: TTN: BP4, BP7

Labcorp Genetics (formerly Invitae), Labcorp
Classification: Likely benign for Dilated cardiomyopathy 1G; Autosomal recessive limb-girdle muscular dystrophy type 2J. Last evaluated: 2025-12-09. Review status: criteria provided, single submitter. Criteria: Invitae Variant Classification Sherloc (09022015). Collection method: clinical testing. Allele origin: germline.

Blueprint Genetics
Classification: Likely benign. Last evaluated: 2023-05-16. Review status: criteria provided, single submitter. Criteria: ACMG Guidelines, 2015. Collection method: clinical testing. Allele origin: germline.

Ambry Genetics
Classification: Likely benign for Cardiovascular phenotype. Last evaluated: 2023-02-20. Review status: criteria provided, single submitter. Criteria: Ambry Variant Classification Scheme 2023. Collection method: clinical testing. Allele origin: germline.

Women's Health and Genetics/Laboratory Corporation of America, LabCorp
Classification: Likely benign. Last evaluated: 2022-04-17. Review status: criteria provided, single submitter. Criteria: LabCorp Variant Classification Summary - May 2015. Collection method: clinical testing. Allele origin: germline.

Revvity Omics, Revvity
Classification: Uncertain significance. Last evaluated: 2019-06-17. Review status: criteria provided, single submitter. Criteria: ACMG Guidelines, 2015. Collection method: clinical testing. Allele origin: germline.

GeneDx
Classification: Likely benign. Last evaluated: 2019-03-07. Review status: criteria provided, single submitter. Criteria: GeneDx Variant Classification Process June 2021. Collection method: clinical testing. Allele origin: germline. Affected: yes.

CHEO Genetics Diagnostic Laboratory, Children's Hospital of Eastern Ontario
Classification: Likely benign for Cardiomyopathy. Last evaluated: 2018-03-08. Review status: criteria provided, single submitter. Criteria: ACMG Guidelines, 2015. Collection method: clinical testing. Allele origin: germline.

Illumina Laboratory Services, Illumina
Classification: Uncertain significance for Autosomal recessive limb-girdle muscular dystrophy type 2J. Last evaluated: 2018-01-12. Review status: criteria provided, single submitter. Criteria: ICSL Variant Classification Criteria 13 December 2019. Collection method: clinical testing. Allele origin: germline.

Illumina Laboratory Services, Illumina
Classification: Uncertain significance for Dilated cardiomyopathy 1G. Last evaluated: 2018-01-12. Review status: criteria provided, single submitter. Criteria: ICSL Variant Classification Criteria 13 December 2019. Collection method: clinical testing. Allele origin: germline.

Illumina Laboratory Services, Illumina
Classification: Uncertain significance for Early-onset myopathy with fatal cardiomyopathy. Last evaluated: 2018-01-12. Review status: criteria provided, single submitter. Criteria: ICSL Variant Classification Criteria 13 December 2019. Collection method: clinical testing. Allele origin: germline.

Illumina Laboratory Services, Illumina
Classification: Uncertain significance for Myopathy, myofibrillar, 9, with early respiratory failure. Last evaluated: 2018-01-12. Review status: criteria provided, single submitter. Criteria: ICSL Variant Classification Criteria 13 December 2019. Collection method: clinical testing. Allele origin: germline.

Illumina Laboratory Services, Illumina
Classification: Uncertain significance for Tibial muscular dystrophy. Last evaluated: 2018-01-12. Review status: criteria provided, single submitter. Criteria: ICSL Variant Classification Criteria 13 December 2019. Collection method: clinical testing. Allele origin: germline.

Eurofins Ntd Llc (ga)
Classification: Uncertain significance. Last evaluated: 2016-06-30. Review status: criteria provided, single submitter. Criteria: EGL Classification Definitions 2015. Collection method: clinical testing. Allele origin: germline. Observed: 1 variant allele, 1 heterozygote.

NM_001267550.2(TTN):c.56871C>T (p.Ser18957=)

Genes: TTN (titin; minus strand), TTN-AS1 (TTN antisense RNA 1; plus strand). Cytogenetic location: 2q31.2.
Variant type: single nucleotide variant.
Coding change: c.56871C>T on transcript NM_001267550.2 (MANE Select); coding-DNA position 56871, C replaced by T.
Protein change: p.Ser18957=; no amino-acid change (serine 18957 retained).
Molecular consequence: synonymous variant.
Genome position (GRCh38, 1-based): chr2:178,598,839, G>A on the plus strand (C>T on the coding strand, the complement: TTN is on the minus strand). VCF-style: chr2-178598839-G-A. GRCh37 (hg19) VCF-style: chr2-179463566-G-A.
Other names: c.51948C>T, p.Ser17316= (NM_001256850.1); c.29676C>T, p.Ser9892= (NM_003319.4); c.49167C>T, p.Ser16389= (NM_133378.4); c.30051C>T, p.Ser10017= (NM_133432.3); c.30252C>T, p.Ser10084= (NM_133437.4).
Identifiers: ClinVar variation 289141 (VCV000289141.30), dbSNP rs370619063, ClinGen allele CA1993170.